The following is an entry in ClinVar:

ClinVar aggregate classification (germline): Uncertain significance (1 of 4 stars; one submission).

Conditions:
Atrial fibrillation, familial, 7 (ATFB7). Identifiers: MedGen C2677106, MONDO:0012828, OMIM 612240.

Submission:

Centre for Mendelian Genomics, University Medical Centre Ljubljana
Classification: Uncertain significance for Atrial fibrillation, familial, 7. Last evaluated: 2020-02-26. Review status: criteria provided, single submitter. Criteria: ACMG Guidelines, 2015. Collection method: clinical testing. Allele origin: unknown. Affected: yes.
Comment: This variant was classified as: Uncertain significance. The available evidence on this variant's pathogenicity is insufficient or conflicting. The following ACMG criteria were applied in classifying this variant: PM2,PP3.

NM_002234.4(KCNA5):c.937_940dup (p.Pro314fs)

Gene: KCNA5 (potassium voltage-gated channel subfamily A member 5; plus strand). Cytogenetic location: 12p13.32.
Variant type: Duplication.
Coding change: c.937_940dup on transcript NM_002234.4 (MANE Select); coding-DNA positions 937 to 940, 4 bases duplicated (GCAC; older notation c.937_940dupGCAC).
Protein change: p.Pro314fs; shifts the reading frame from proline 314.
Molecular consequence: frameshift variant.
Genome position (GRCh38, 1-based): chr12:5,045,084-5,045,087, GCAC duplicated. VCF-style (leftmost placement, unchanged base first): chr12-5045083-G-GGCAC. GRCh37 (hg19) VCF-style: chr12-5154249-G-GGCAC.
Other names: short protein forms P314fs.
Identifiers: ClinVar variation 931266 (VCV000931266.3), dbSNP rs1862759649, ClinGen allele CA1139662475.